The following is an entry in ClinVar:

NM_001256317.3(TMPRSS3):c.717C>A (p.Tyr239Ter)

Gene: TMPRSS3 (transmembrane serine protease 3; minus strand). Cytogenetic location: 21q22.3.
Variant type: single nucleotide variant.
Coding change: c.717C>A on transcript NM_001256317.3 (MANE Select); coding-DNA position 717, C replaced by A.
Protein change: p.Tyr239Ter; replaces tyrosine 239 with a stop codon.
Molecular consequence: nonsense.
Genome position (GRCh38, 1-based): chr21:42,383,098, G>T on the plus strand (C>A on the coding strand, the complement: TMPRSS3 is on the minus strand). VCF-style: chr21-42383098-G-T. GRCh37 (hg19) VCF-style: chr21-43803207-G-T.
Other names: c.717C>A, p.Tyr239Ter (NM_024022.4, NM_032405.2); c.336C>A, p.Tyr112Ter (NM_032404.3); c.717C>A (NM_024022.2); short protein forms Y112*, Y239*.
Identifiers: ClinVar variation 2191688 (VCV002191688.6), dbSNP rs1286616401, ClinGen allele CA410373262.

ClinVar aggregate classification (germline): Pathogenic. Review status: criteria provided, multiple submitters, no conflicts (2 of 4 stars). 3 submissions from 3 submitters: Pathogenic (2). 1 of the submissions does not count toward it. Last evaluated 2025-07-30.

Conditions:
TMPRSS3-related disorder. Also called: TMPRSS3-related condition.
Autosomal recessive nonsyndromic hearing loss 8 (DFNB8). Also called: NEUROSENSORY NONSYNDROMIC RECESSIVE DEAFNESS 8; Deafness, autosomal recessive 10. Identifiers: Orphanet 90636, MedGen C1832827, MONDO:0010987, OMIM 601072.

Allele frequency attached by ClinVar (database versions not stated): gnomAD exomes below 0.00001; TOPMed 0.00001.
gnomAD v4.1: 2 of 1,614,190 alleles (0.00012%); highest among the groups gnomAD compares: Admixed American, 0.0033%; no homozygotes.

Submissions (3):

Variantyx, Inc.
Classification: Pathogenic for Autosomal recessive nonsyndromic hearing loss 8. Last evaluated: 2025-07-30. Review status: criteria provided, single submitter. Criteria: Variantyx Assertion Criteria 2022. Collection method: clinical testing. Allele origin: germline. Inheritance: Autosomal recessive inheritance. Affected: no.
Comment: This is a nonsense variant in the TMPRSS3 gene (OMIM: 605511). Pathogenic variants in this gene have been associated with autosomal recessive deafness 8/10. This variant introduces a premature termination codon in exon 8 out of 13 and is expected to result in loss of function, which is a known disease mechanism for TMPRSS3 in this disorder (PMID: 37811145) (PVS1). This variant has been identified in the compound heterozygous state in at least 2 individuals reported in the published literature (PMID: 37811145) (PM3_Strong) and it has a 0.0046% maximum allele frequency in non-founder control populations (PM2). Based on the current evidence, this variant is classified as pathogenic for autosomal recessive deafness 8/10.

Labcorp Genetics (formerly Invitae), Labcorp
Classification: Pathogenic. Last evaluated: 2023-03-10. Review status: criteria provided, single submitter. Criteria: Invitae Variant Classification Sherloc (09022015). Collection method: clinical testing. Allele origin: germline.
Comment: For these reasons, this variant has been classified as Pathogenic. ClinVar contains an entry for this variant (Variation ID: 2191688). This sequence change creates a premature translational stop signal (p.Tyr239*) in the TMPRSS3 gene. It is expected to result in an absent or disrupted protein product. Loss-of-function variants in TMPRSS3 are known to be pathogenic (PMID: 16021470, 26969326). The frequency data for this variant in the population databases is considered unreliable, as metrics indicate poor data quality at this position in the gnomAD database. This variant has not been reported in the literature in individuals affected with TMPRSS3-related conditions.

PreventionGenetics, part of Exact Sciences
Classification: Pathogenic for TMPRSS3-related condition. Last evaluated: 2024-08-11. Review status: no assertion criteria provided. Collection method: clinical testing. Allele origin: germline. Not counted in ClinVar's aggregate classification.
Comment: The TMPRSS3 c.717C>A variant is predicted to result in premature protein termination (p.Tyr239*). This variant has been reported in the compound heterozygous state to be causative for autosomal recessive hearing loss (Imizcoz et al. 2023. PubMed ID: 37811145). This variant is reported in 0.0056% of alleles in individuals of Latino descent in gnomAD. Nonsense variants in TMPRSS3 are expected to be pathogenic. This variant is interpreted as pathogenic.

Literature cited by the submitters: PubMed 37811145 (cited by Variantyx, Inc.); PubMed 16021470 (cited by Labcorp Genetics (formerly Invitae), Labcorp); PubMed 26969326 (cited by Labcorp Genetics (formerly Invitae), Labcorp).